The following is an entry in ClinVar:

ClinVar aggregate classification (germline): Pathogenic/Likely pathogenic. Review status: criteria provided, multiple submitters, no conflicts (2 of 4 stars). 2 submissions from 2 submitters: Pathogenic (1); Likely pathogenic (1). Last evaluated 2023-04-24.

Conditions:
NRL-related disorders.

Submissions (2):

Labcorp Genetics (formerly Invitae), Labcorp
Classification: Pathogenic. Last evaluated: 2023-04-24. Review status: criteria provided, single submitter. Criteria: Invitae Variant Classification Sherloc (09022015). Collection method: clinical testing. Allele origin: germline.
Comment: ClinVar contains an entry for this variant (Variation ID: 1452628). This sequence change creates a premature translational stop signal (p.Ser6Glnfs*10) in the NRL gene. It is expected to result in an absent or disrupted protein product. Loss-of-function variants in NRL are known to be pathogenic (PMID: 11694879, 15591106). This variant is not present in population databases (gnomAD no frequency). This variant has not been reported in the literature in individuals affected with NRL-related conditions. For these reasons, this variant has been classified as Pathogenic.

Blueprint Genetics
Classification: Likely pathogenic for NRL-related disorders. Last evaluated: 2019-03-08. Review status: criteria provided, single submitter. Criteria: ACMG Guidelines, 2015. Collection method: clinical testing. Allele origin: germline. Affected: yes. Observed: 1 variant allele.

Literature cited by the submitters: PubMed 11694879 (cited by Labcorp Genetics (formerly Invitae), Labcorp); PubMed 15591106 (cited by Labcorp Genetics (formerly Invitae), Labcorp).

NM_001354768.3(NRL):c.15dup (p.Ser6fs)

Gene: NRL (neural retina leucine zipper; minus strand). Cytogenetic location: 14q11.2.
Variant type: Duplication.
Coding change: c.15dup on transcript NM_001354768.3 (MANE Select); coding-DNA position 15, one base duplicated (C; older notation c.15dupC).
Protein change: p.Ser6fs; shifts the reading frame from serine 6.
Molecular consequence: frameshift variant.
Genome position (GRCh38, 1-based): chr14:24,082,834, G duplicated on the plus strand (C on the coding strand, the reverse complement: NRL is on the minus strand); the first of 6 consecutive G bases (chr14:24,082,834-24,082,839); duplicating any one gives the same sequence. VCF-style (leftmost placement, unchanged base first): chr14-24082833-T-TG. GRCh37 (hg19) VCF-style: chr14-24552042-T-TG.
Other names: c.15dup, p.Ser6fs (NM_001354769.1, NM_001354770.2, NM_006177.5); short protein forms S6fs.
Identifiers: ClinVar variation 1452628 (VCV001452628.7), dbSNP rs1271185594, ClinGen allele CA704332539.